The following is an entry in ClinVar:

NM_015340.4(LARS2):c.880G>A (p.Glu294Lys)

Gene: LARS2 (leucyl-tRNA synthetase 2, mitochondrial; plus strand). Cytogenetic location: 3p21.31.
Variant type: single nucleotide variant.
Coding change: c.880G>A on transcript NM_015340.4 (MANE Select); coding-DNA position 880, G replaced by A.
Protein change: p.Glu294Lys; replaces glutamic acid 294 with lysine.
Molecular consequence: missense variant.
Genome position (GRCh38, 1-based): chr3:45,476,489, G>A. VCF-style: chr3-45476489-G-A. GRCh37 (hg19) VCF-style: chr3-45517981-G-A.
Other names: c.880G>A (NM_015340.3); c.880G>A, p.Glu294Lys (NM_001368263.1); short protein forms E294K.
Identifiers: ClinVar variation 992952 (VCV000992952.13), dbSNP rs749627411, ClinGen allele CA2349444.
Genomic context (GRCh38, chr3:45,476,489, plus strand): 5'-GGACTGAGAAATGACATCACTCTTCTTTCCTATCACCAGGTTCATGGGCAAGCCACGGGC[G>A]AAAAGCTGACTGCCTATACGGCCACCCCTGAAGCCATTTATGGCACCTCCCACGTGGCCA-3'
Protein context (NP_056155.1, residues 284-304): TLKVHGQATG[Glu294Lys]KLTAYTATPE

ClinVar aggregate classification (germline): Pathogenic/Likely pathogenic. Review status: criteria provided, multiple submitters, no conflicts (2 of 4 stars). 6 submissions from 6 submitters: Pathogenic (1); Likely pathogenic (3). 2 of the submissions do not count toward it. Last evaluated 2025-11-08.

Conditions:
Perrault syndrome 4 (PRLTS4). Identifiers: Orphanet 2855, MedGen C3809105, MONDO:0014126, OMIM 615300.
LARS2-related disorder. Also called: LARS2-related condition.
Perrault syndrome. Also called: Gonadal dysgenesis with auditory dysfunction, autosomal recessive inheritance. Identifiers: Orphanet 2855, MedGen C0685838, MONDO:0017312.
Hydrops-lactic acidosis-sideroblastic anemia-multisystemic failure syndrome. Also called: Hydrops, lactic acidosis, and sideroblastic anemia. Identifiers: Orphanet 528091, MedGen C4310761, MONDO:0014869, OMIM 617021.

Allele frequency attached by ClinVar (database versions not stated): gnomAD 0.00001; gnomAD exomes 0.00001 and 0.00002; ExAC 0.00002; TOPMed 0.00006.
gnomAD v4.1: 13 of 1,614,060 alleles (0.00081%); highest among the groups gnomAD compares: East Asian, 0.0045%; no homozygotes.

Submissions (6):

GeneDx
Classification: Likely pathogenic. Last evaluated: 2025-11-08. Review status: criteria provided, single submitter. Criteria: GeneDx Variant Classification Process June 2021. Collection method: clinical testing. Allele origin: germline. Affected: yes.
Comment: Not observed at significant frequency in large population cohorts (gnomAD); In silico analysis suggests that this missense variant does not alter protein structure/function; This variant is associated with the following publications: (PMID: 29205794, 30737337, 32369273, 32767731, 28000701, 35750896, 35982127, 36515421, 40268851)

PreventionGenetics, part of Exact Sciences
Classification: Likely pathogenic for LARS2-related condition. Last evaluated: 2025-09-09. Review status: criteria provided, single submitter. Criteria: ACMG Guidelines, 2015. Collection method: clinical testing. Allele origin: germline.
Comment: The LARS2 c.880G>A variant is predicted to result in the amino acid substitution p.Glu294Lys. This variant has been reported in trans or presumed in trans with other variants in LARS2 in six individuals with hearing impairment (Zazo Seco et al. 2017. PubMed ID: 28000701; Kosaki et al. 2017. PubMed ID: 29205794; Pan et al. 2020. PubMed ID: 32767731; Wu et al. 2022. PubMed ID: 35982127; Perry et al. 2022. PubMed ID: 36515421). This variant is reported in 0.0026% of alleles in individuals of European (non-Finnish) descent in gnomAD. This variant is interpreted as likely pathogenic.

Labcorp Genetics (formerly Invitae), Labcorp
Classification: Pathogenic. Last evaluated: 2024-12-24. Review status: criteria provided, single submitter. Criteria: Invitae Variant Classification Sherloc (09022015). Collection method: clinical testing. Allele origin: germline.
Comment: This sequence change replaces glutamic acid, which is acidic and polar, with lysine, which is basic and polar, at codon 294 of the LARS2 protein (p.Glu294Lys). This variant is present in population databases (rs749627411, gnomAD 0.003%). This missense change has been observed in individuals with clinical features of Perrault syndrome or deafness (PMID: 29205794, 30737337, 32767731, 35982127). It has also been observed to segregate with disease in related individuals. ClinVar contains an entry for this variant (Variation ID: 992952). Invitae Evidence Modeling of protein sequence and biophysical properties (such as structural, functional, and spatial information, amino acid conservation, physicochemical variation, residue mobility, and thermodynamic stability) indicates that this missense variant is not expected to disrupt LARS2 protein function with a negative predictive value of 80%. For these reasons, this variant has been classified as Pathogenic.

Juno Genomics, Hangzhou Juno Genomics, Inc
Classification: Likely pathogenic for Hydrops-lactic acidosis-sideroblastic anemia-multisystemic failure syndrome; Perrault syndrome 4. Review status: criteria provided, single submitter. Criteria: ACMG Guidelines, 2015. Collection method: clinical testing. Allele origin: germline.
Comment: Absent from controls (or at extremely low frequency if recessive) in Genome Aggregation Database.;Multiple lines of computational evidence suggest no impact on gene or gene product.;For recessive disorders, detected in trans with a pathogenic variant.;Patient's phenotype or family history is highly specific for a disease with a single genetic etiology.;Co-segregation with disease in multiple affected family members.

OMIM
Classification: Pathogenic for PERRAULT SYNDROME 4. Last evaluated: 2021-01-15. Review status: no assertion criteria provided. Collection method: literature only. Allele origin: germline. Not counted in ClinVar's aggregate classification.

GeneReviews
No classification provided. Condition: Perrault syndrome. Review status: no classification provided. Collection method: literature only. Allele origin: germline. Not counted in ClinVar's aggregate classification.

Literature cited by the submitters: PubMed 29205794 (cited by Labcorp Genetics (formerly Invitae), Labcorp and OMIM); PubMed 30737337 (cited by Labcorp Genetics (formerly Invitae), Labcorp and OMIM); PubMed 32767731 (cited by Labcorp Genetics (formerly Invitae), Labcorp); PubMed 35982127 (cited by Labcorp Genetics (formerly Invitae), Labcorp).